The following is an entry in ClinVar:

NM_178013.4(PRIMA1):c.451G>A (p.Ala151Thr)

Gene: PRIMA1 (proline rich membrane anchor 1; minus strand). Cytogenetic location: 14q32.12.
Variant type: single nucleotide variant.
Coding change: c.451G>A on transcript NM_178013.4 (MANE Select); coding-DNA position 451, G replaced by A.
Protein change: p.Ala151Thr; replaces alanine 151 with threonine.
Molecular consequence: missense variant.
Genome position (GRCh38, 1-based): chr14:93,721,455, C>T on the plus strand (G>A on the coding strand, the complement: PRIMA1 is on the minus strand). VCF-style: chr14-93721455-C-T. GRCh37 (hg19) VCF-style: chr14-94187801-C-T.
Other names: short protein forms A151T.
Identifiers: ClinVar variation 1026361 (VCV001026361.6), dbSNP rs200782279, ClinGen allele CA7322989.

ClinVar aggregate classification (germline): Uncertain significance (1 of 4 stars; one submission).

Conditions:
Familial sleep-related hypermotor epilepsy. Also called: Autosomal Dominant Sleep-Related Hypermotor (Hyperkinetic) Epilepsy. Identifiers: Orphanet 98784, MedGen C3696898, MONDO:0000030.

Allele frequency attached by ClinVar (database versions not stated): TOPMed 0.00001; gnomAD 0.00002 and 0.00001; gnomAD exomes 0.00003 and 0.00007; ExAC 0.00007; 1000 Genomes Project 30x 0.00016; 1000 Genomes Project 0.00020.
gnomAD v4.1: 43 of 1,611,266 alleles (0.0027%); highest among the groups gnomAD compares: South Asian, 0.03%; no homozygotes.

Submission:

Labcorp Genetics (formerly Invitae), Labcorp
Classification: Uncertain significance for Familial sleep-related hypermotor epilepsy. Last evaluated: 2022-06-09. Review status: criteria provided, single submitter. Criteria: Invitae Variant Classification Sherloc (09022015). Collection method: clinical testing. Allele origin: germline.
Comment: This sequence change replaces alanine, which is neutral and non-polar, with threonine, which is neutral and polar, at codon 151 of the PRIMA1 protein (p.Ala151Thr). This variant is present in population databases (rs200782279, gnomAD 0.05%). This variant has not been reported in the literature in individuals affected with PRIMA1-related conditions. ClinVar contains an entry for this variant (Variation ID: 1026361). Algorithms developed to predict the effect of missense changes on protein structure and function output the following: SIFT: "Deleterious"; PolyPhen-2: "Benign"; Align-GVGD: "Class C0". The threonine amino acid residue is found in multiple mammalian species, which suggests that this missense change does not adversely affect protein function. In summary, the available evidence is currently insufficient to determine the role of this variant in disease. Therefore, it has been classified as a Variant of Uncertain Significance.